The following is an entry in ClinVar:

NM_020928.2(ZSWIM6):c.1501A>G (p.Asn501Asp)

Gene: ZSWIM6 (zinc finger SWIM-type containing 6; plus strand). Cytogenetic location: 5q12.1.
Variant type: single nucleotide variant.
Coding change: c.1501A>G on transcript NM_020928.2 (MANE Select); coding-DNA position 1501, A replaced by G.
Protein change: p.Asn501Asp; replaces asparagine 501 with aspartic acid.
Molecular consequence: missense variant.
Genome position (GRCh38, 1-based): chr5:61,521,430, A>G. VCF-style: chr5-61521430-A-G. GRCh37 (hg19) VCF-style: chr5-60817257-A-G.
Other names: short protein forms N501D.
Identifiers: ClinVar variation 3684940 (VCV003684940.2).

ClinVar aggregate classification (germline): Uncertain significance (1 of 4 stars; one submission).

gnomAD v4.1: 2 of 1,471,472 alleles (0.00014%); highest among the groups gnomAD compares: Admixed American, 0.0024%; no homozygotes.

Submission:

Labcorp Genetics (formerly Invitae), Labcorp
Classification: Uncertain significance. Last evaluated: 2024-12-30. Review status: criteria provided, single submitter. Criteria: Invitae Variant Classification Sherloc (09022015). Collection method: clinical testing. Allele origin: germline.
Comment: This sequence change replaces asparagine, which is neutral and polar, with aspartic acid, which is acidic and polar, at codon 501 of the ZSWIM6 protein (p.Asn501Asp). This variant is not present in population databases (gnomAD no frequency). This missense change has been observed in individual(s) with neurodevelopmental disorder (PMID: 33057194, 35982159). An algorithm developed to predict the effect of missense changes on protein structure and function (PolyPhen-2) suggests that this variant is likely to be tolerated. In summary, the available evidence is currently insufficient to determine the role of this variant in disease. Therefore, it has been classified as a Variant of Uncertain Significance.

Literature cited by the submitters: PubMed 33057194; PubMed 35982159.